The following is an entry in ClinVar:

NM_000337.6(SGCD):c.4-1G>A

Gene: SGCD (sarcoglycan delta; plus strand). Cytogenetic location: 5q33.3.
Variant type: single nucleotide variant.
Coding change: c.4-1G>A on transcript NM_000337.6 (MANE Select); the canonical splice acceptor site of the intron before coding-DNA position 4, G replaced by A.
Molecular consequence: splice acceptor variant.
Genome position (GRCh38, 1-based): chr5:156,344,488, G>A. VCF-style: chr5-156344488-G-A. GRCh37 (hg19) VCF-style: chr5-155771498-G-A.
Other names: c.1-1G>A (NM_001128209.2); c.4-1G>A (NM_172244.3).
Identifiers: ClinVar variation 532691 (VCV000532691.13), dbSNP rs1554094927, ClinGen allele CA362007486.

ClinVar aggregate classification (germline): Conflicting classifications of pathogenicity. Review status: criteria provided, conflicting classifications (1 of 4 stars). 4 submissions from 4 submitters: Likely pathogenic (3); Uncertain significance (1). Last evaluated 2025-11-25.

Conditions:
SGCD-related disorder. Also called: SGCD-related condition.
Autosomal recessive limb-girdle muscular dystrophy type 2F (LGMDR6). Also called: Muscular dystrophy limb-girdle with delta-sarcoglyan deficiency; MUSCULAR DYSTROPHY, LIMB-GIRDLE, AUTOSOMAL RECESSIVE 6. Identifiers: Orphanet 219, MedGen C1832525, MONDO:0011028, OMIM 601287. Disease mechanism: Affects gamma-sarcoglycan and also disrupts the integrity of the entire sarcoglycan complex..
Dilated cardiomyopathy 1L (CMD1L). Identifiers: Orphanet 154, MedGen C1847667, MONDO:0011702, OMIM 606685.

Allele frequency attached by ClinVar (database versions not stated): gnomAD 0.00001; TOPMed 0.00001; gnomAD exomes 0.00003.

Submissions (4):

Labcorp Genetics (formerly Invitae), Labcorp
Classification: Likely pathogenic for Autosomal recessive limb-girdle muscular dystrophy type 2F. Last evaluated: 2025-11-25. Review status: criteria provided, single submitter. Criteria: Invitae Variant Classification Sherloc (09022015). Collection method: clinical testing. Allele origin: germline.
Comment: This sequence change affects an acceptor splice site in intron 2 of the SGCD gene. It is expected to disrupt RNA splicing. Variants that disrupt the donor or acceptor splice site typically lead to a loss of protein function (PMID: 16199547), and loss-of-function variants in SGCD are known to be pathogenic (PMID: 8841194, 10735275, 10838250). This variant is not present in population databases (gnomAD no frequency). This variant has not been reported in the literature in individuals affected with SGCD-related conditions. ClinVar contains an entry for this variant (Variation ID: 532691). Algorithms developed to predict the effect of sequence changes on RNA splicing suggest that this variant may disrupt the consensus splice site. In summary, the currently available evidence indicates that the variant is pathogenic, but additional data are needed to prove that conclusively. Therefore, this variant has been classified as Likely Pathogenic.

Revvity Omics, Revvity
Classification: Likely pathogenic. Last evaluated: 2025-05-01. Review status: criteria provided, single submitter. Criteria: ACMG Guidelines, 2015. Collection method: clinical testing. Allele origin: germline.

Blueprint Genetics
Classification: Likely pathogenic for SGCD-related disorders. Last evaluated: 2020-05-11. Review status: criteria provided, single submitter. Criteria: ACMG Guidelines, 2015. Collection method: clinical testing. Allele origin: germline. Affected: yes. Observed: 1 variant allele.

Equipe Genetique des Anomalies du Developpement, Université de Bourgogne
Classification: Uncertain significance for Dilated cardiomyopathy 1L. Last evaluated: 2018-11-21. Review status: criteria provided, single submitter. Criteria: ACMG Guidelines, 2015. Collection method: clinical testing. Allele origin: unknown.

Literature cited by the submitters: PubMed 16199547 (cited by Labcorp Genetics (formerly Invitae), Labcorp); PubMed 8841194 (cited by Labcorp Genetics (formerly Invitae), Labcorp); PubMed 10735275 (cited by Labcorp Genetics (formerly Invitae), Labcorp); PubMed 10838250 (cited by Labcorp Genetics (formerly Invitae), Labcorp).